The following is an entry in ClinVar:

NM_003024.3(ITSN1):c.1660C>T (p.Gln554Ter)

Gene: ITSN1 (intersectin 1; plus strand). Cytogenetic location: 21q22.11.
Variant type: single nucleotide variant.
Coding change: c.1660C>T on transcript NM_003024.3 (MANE Select); coding-DNA position 1660, C replaced by T.
Protein change: p.Gln554Ter; replaces glutamine 554 with a stop codon.
Molecular consequence: nonsense.
Genome position (GRCh38, 1-based): chr21:33,781,524, C>T. VCF-style: chr21-33781524-C-T. GRCh37 (hg19) VCF-style: chr21-35153828-C-T.
Other names: c.1660C>T, p.Gln554Ter (NM_001001132.2, NM_001331008.2, NM_001331009.2 and 2 more transcripts); c.1549C>T, p.Gln517Ter (NM_001331012.2); short protein forms Q517*, Q554*.
Identifiers: ClinVar variation 3342924 (VCV003342924.1).
Genomic context (GRCh38, chr21:33,781,524, plus strand): 5'-TCTCAGCAAATGCTTGGAAGACTTATTCCAGAAAAACAGATACTCAATGACCAATTAAAA[C>T]AAGTTCAGCAGAACAGTTTGCACAGTAGGTGTTTTATTTTTAAAGTTGACCTTTTCTTTA-3'

ClinVar aggregate classification (germline): Pathogenic (1 of 4 stars; one submission).

Submission:

GeneDx
Classification: Pathogenic. Last evaluated: 2024-02-01. Review status: criteria provided, single submitter. Criteria: GeneDx Variant Classification Process June 2021. Collection method: clinical testing. Allele origin: germline. Affected: yes.
Comment: Nonsense variant predicted to result in protein truncation or nonsense mediated decay in a gene for which loss of function is a known mechanism of disease; Not observed at significant frequency in large population cohorts (gnomAD); Has not been previously published as pathogenic or benign to our knowledge